The following is an entry in ClinVar:

NM_001142800.2(EYS):c.6812_6813del (p.Thr2271fs)

Gene: EYS (EGF-like photoreceptor maintenance factor; minus strand). Cytogenetic location: 6q12.
Variant type: Microsatellite.
Coding change: c.6812_6813del on transcript NM_001142800.2 (MANE Select); coding-DNA positions 6812 to 6813, 2 bases deleted (CA; older notation c.6812_6813delCA).
Protein change: p.Thr2271fs; shifts the reading frame from threonine 2271.
Molecular consequence: frameshift variant.
Genome position (GRCh38, 1-based): chr6:63,999,096-63,999,097, TG deleted on the plus strand (CA on the coding strand, the reverse complement: EYS is on the minus strand); deleting any 2 consecutive bases within chr6:63,999,096-63,999,100 gives the same sequence; the c. name uses the placement nearest the transcript's 3' end. VCF-style (leftmost placement, unchanged base first): chr6-63999095-CTG-C. GRCh37 (hg19) VCF-style: chr6-64708988-CTG-C.
Other names: c.6812_6813del (NM_001142800.1); c.6812_6813del, p.Thr2271fs (NM_001292009.2); short protein forms T2271fs.
Identifiers: ClinVar variation 1075992 (VCV001075992.13), dbSNP rs2149802267, ClinGen allele CA2580617278.

ClinVar aggregate classification (germline): Pathogenic/Likely pathogenic. Review status: criteria provided, multiple submitters, no conflicts (2 of 4 stars). 6 submissions from 6 submitters: Pathogenic (4); Likely pathogenic (2). Last evaluated 2025-02-18.

Conditions:
EYS-related disorder. Also called: EYS-related condition.
Retinitis pigmentosa 25 (RP25). Identifiers: Orphanet 791, MedGen C1864446, MONDO:0011272, OMIM 602772.
Retinitis pigmentosa (RP). Identifiers: Orphanet 791, MedGen C0035334, MeSH D012174, MONDO:0019200, OMIM 268000. Inheritance: Autosomal dominant, autosomal recessive and X linked inheritance.

Submissions (6):

Myriad Genetics, Inc.
Classification: Pathogenic for Retinitis pigmentosa 25. Last evaluated: 2025-02-18. Review status: criteria provided, single submitter. Criteria: Myriad Autosomal Dominant, Autosomal Recessive and X-Linked Classification Criteria (2023). Collection method: clinical testing. Allele origin: unknown.
Comment: NM_001142800.1(EYS):c.6812_6813delCA(T2271Rfs*11) is a frameshift variant classified as pathogenic in the context of retinitis pigmentosa, EYS-related. T2271Rfs*11 has been observed in a case with relevant disease (PMID: 37217489). Relevant functional assessments of this variant are not available in the literature. T2271Rfs*11 has not been observed in referenced population frequency databases. In summary, NM_001142800.1(EYS):c.6812_6813delCA(T2271Rfs*11) is a frameshift variant in a gene where loss of function is a known mechanism of disease, is predicted to disrupt protein function, and has been observed more frequently in cases with the relevant disease than in healthy populations. Please note: this variant was assessed in the context of healthy population screening.

Blueprint Genetics
Classification: Pathogenic for EYS-related disorders. Last evaluated: 2024-04-18. Review status: criteria provided, single submitter. Criteria: ACMG Guidelines, 2015. Collection method: clinical testing. Allele origin: germline. Affected: yes. Observed: 2 variant alleles.

Baylor Genetics
Classification: Likely pathogenic for Retinitis pigmentosa 25. Last evaluated: 2023-08-12. Review status: criteria provided, single submitter. Criteria: ACMG Guidelines, 2015. Collection method: clinical testing. Allele origin: unknown.

Labcorp Genetics (formerly Invitae), Labcorp
Classification: Pathogenic. Last evaluated: 2022-07-06. Review status: criteria provided, single submitter. Criteria: Invitae Variant Classification Sherloc (09022015). Collection method: clinical testing. Allele origin: germline.
Comment: For these reasons, this variant has been classified as Pathogenic. ClinVar contains an entry for this variant (Variation ID: 1075992). This variant has not been reported in the literature in individuals affected with EYS-related conditions. This variant is not present in population databases (gnomAD no frequency). This sequence change creates a premature translational stop signal (p.Thr2271Argfs*11) in the EYS gene. It is expected to result in an absent or disrupted protein product. Loss-of-function variants in EYS are known to be pathogenic (PMID: 18836446, 20333770).

DBGen Ocular Genomics
Classification: Pathogenic for Retinitis pigmentosa 25. Last evaluated: 2021-06-07. Review status: criteria provided, single submitter. Criteria: ACMG Guidelines, 2015. Collection method: clinical testing. Allele origin: germline. Affected: yes. Observed: 1 variant allele.

Broad Center for Mendelian Genomics, Broad Institute of MIT and Harvard
Classification: Likely pathogenic for Retinitis pigmentosa. Last evaluated: 2021-04-01. Review status: criteria provided, single submitter. Criteria: ACMG Guidelines, 2015. Collection method: curation. Allele origin: germline. Inheritance: Autosomal recessive inheritance. Affected: yes.
Comment: Through a review of available evidence we were able to apply the following criteria: PVS1, PM2. Based on this evidence we have classified this variant as Likely Pathogenic. If you have any questions about the classification please reach out to the Pierce Lab.

Literature cited by the submitters: PubMed 37217489 (cited by Myriad Genetics, Inc.); PubMed 18836446 (cited by Labcorp Genetics (formerly Invitae), Labcorp); PubMed 20333770 (cited by Labcorp Genetics (formerly Invitae), Labcorp); PubMed 34906470 (cited by Broad Center for Mendelian Genomics, Broad Institute of MIT and Harvard).